The following is an entry in ClinVar:

NM_015261.3(NCAPD3):c.2724C>G (p.Pro908=)

Gene: NCAPD3 (non-SMC condensin II complex subunit D3; minus strand). Cytogenetic location: 11q25.
Variant type: single nucleotide variant.
Coding change: c.2724C>G on transcript NM_015261.3 (MANE Select); coding-DNA position 2724, C replaced by G.
Protein change: p.Pro908=; no amino-acid change (proline 908 retained).
Molecular consequence: synonymous variant.
Genome position (GRCh38, 1-based): chr11:134,178,692, G>C on the plus strand (C>G on the coding strand, the complement: NCAPD3 is on the minus strand). VCF-style: chr11-134178692-G-C. GRCh37 (hg19) VCF-style: chr11-134048587-G-C.
Other names: c.2724C>G, p.Pro908= (NM_001372065.1, NM_001372068.1); c.2310C>G, p.Pro770= (NM_001372069.1, NM_001372070.1).
Identifiers: ClinVar variation 3034439 (VCV003034439.2), dbSNP rs75363476, ClinGen allele CA6371154.

ClinVar aggregate classification (germline): Likely benign (0 of 4 stars; one submission).

Conditions:
NCAPD3-related disorder. Also called: NCAPD3-related condition.

Allele frequency attached by ClinVar (database versions not stated): ExAC 0.00077; 1000 Genomes Project 0.00220; 1000 Genomes Project 30x 0.00234; ESP Exome Variant Server 0.00285.
gnomAD v4.1: 735 of 1,601,306 alleles (0.046%); highest among the groups gnomAD compares: African/African-American, 0.87%; 7 homozygotes.

Submission:

PreventionGenetics, part of Exact Sciences
Classification: Likely benign for NCAPD3-related condition. Last evaluated: 2019-04-10. Review status: no assertion criteria provided. Collection method: clinical testing. Allele origin: germline.
Comment: This variant is classified as likely benign based on ACMG/AMP sequence variant interpretation guidelines (Richards et al. 2015 PMID: 25741868, with internal and published modifications).